The following is an entry in ClinVar:

NM_001563.4(IMPG1):c.1133A>G (p.Asp378Gly)

Gene: IMPG1 (interphotoreceptor matrix proteoglycan 1; minus strand). Cytogenetic location: 6q14.1.
Variant type: single nucleotide variant.
Coding change: c.1133A>G on transcript NM_001563.4 (MANE Select); coding-DNA position 1133, A replaced by G.
Protein change: p.Asp378Gly; replaces aspartic acid 378 with glycine.
Molecular consequence: missense variant.
Genome position (GRCh38, 1-based): chr6:76,005,289, T>C on the plus strand (A>G on the coding strand, the complement: IMPG1 is on the minus strand). VCF-style: chr6-76005289-T-C. GRCh37 (hg19) VCF-style: chr6-76715006-T-C.
Other names: c.899A>G, p.Asp300Gly (NM_001282368.2); short protein forms D378G, D300G.
Identifiers: ClinVar variation 2123839 (VCV002123839.4), dbSNP rs1044048732, ClinGen allele CA141083631.
Genomic context (GRCh38, chr6:76,005,289, plus strand): 5'-CATTCTTAGTCTCTGCCAAAATGAGAATAAACTCAGAACTAAGCAATCATTAACTGACCA[T>C]CAGTGAACTGAATTGTCCCCACATCCAAAGATTGTTCTTCCTCTAGTGCTTTGCTGATCA-3'
Protein context (NP_001554.2, residues 368-388): SLDVGTIQFT[Asp378Gly]EIAGSLPAFG

ClinVar aggregate classification (germline): Uncertain significance (1 of 4 stars; one submission).

Allele frequency attached by ClinVar (database versions not stated): gnomAD 0.00001; TOPMed 0.00002.
gnomAD v4.1: 1 of 1,613,800 alleles (0.000062%); highest among the groups gnomAD compares: African/African-American, 0.0013%; no homozygotes.

Submission:

Labcorp Genetics (formerly Invitae), Labcorp
Classification: Uncertain significance. Last evaluated: 2025-12-17. Review status: criteria provided, single submitter. Criteria: Invitae Variant Classification Sherloc (09022015). Collection method: clinical testing. Allele origin: germline.
Comment: This sequence change replaces aspartic acid, which is acidic and polar, with glycine, which is neutral and non-polar, at codon 378 of the IMPG1 protein (p.Asp378Gly). This variant is not present in population databases (gnomAD no frequency). This variant has not been reported in the literature in individuals affected with IMPG1-related conditions. ClinVar contains an entry for this variant (Variation ID: 2123839). An algorithm developed to predict the effect of missense changes on protein structure and function (PolyPhen-2) suggests that this variant is likely to be disruptive. Algorithms developed to predict the effect of sequence changes on RNA splicing suggest that this variant may disrupt the consensus splice site. In summary, the available evidence is currently insufficient to determine the role of this variant in disease. Therefore, it has been classified as a Variant of Uncertain Significance.